The following is an entry in ClinVar:

NM_006612.6(KIF1C):c.1750+5A>C

Genes: KIF1C (kinesin family member 1C; plus strand), KIF1C-AS1 (KIF1C antisense RNA 1; minus strand), LOC126862473 (CDK7 strongly-dependent group 2 enhancer GRCh37_chr17:4923264-4924463; plus strand). Cytogenetic location: 17p13.2.
Variant type: single nucleotide variant.
Coding change: c.1750+5A>C on transcript NM_006612.6 (MANE Select); 5 bases into the intron after coding-DNA position 1750, A replaced by C.
Molecular consequence: intron variant. On other transcripts: non-coding transcript variant (1).
Genome position (GRCh38, 1-based): chr17:5,020,084, A>C. VCF-style: chr17-5020084-A-C. GRCh37 (hg19) VCF-style: chr17-4923379-A-C.
Identifiers: ClinVar variation 509262 (VCV000509262.36), dbSNP rs776089509, ClinGen allele CA8319103.

ClinVar aggregate classification (germline): Conflicting classifications of pathogenicity. Review status: criteria provided, conflicting classifications (1 of 4 stars). 2 submissions from 2 submitters: Uncertain significance (1); Likely benign (1). Last evaluated 2021-05-01.

Allele frequency attached by ClinVar (database versions not stated): ExAC below 0.00001; TOPMed below 0.00001; gnomAD 0.00001; gnomAD exomes 0.00001.
gnomAD v4.1: 13 of 1,580,048 alleles (0.00082%); highest among the groups gnomAD compares: Non-Finnish European, 0.0011%; no homozygotes.

Submissions (2):

CeGaT Center for Human Genetics Tuebingen
Classification: Uncertain significance. Last evaluated: 2021-05-01. Review status: criteria provided, single submitter. Criteria: CeGaT Center For Human Genetics Tuebingen Variant Classification Criteria Version 2. Collection method: clinical testing. Allele origin: germline. Affected: yes. Observed: 1 variant allele.

GeneDx
Classification: Likely benign. Last evaluated: 2017-04-27. Review status: criteria provided, single submitter. Criteria: GeneDx Variant Classification (06012015). Collection method: clinical testing. Allele origin: germline. Affected: yes.
Comment: This variant is considered likely benign or benign based on one or more of the following criteria: it is a conservative change, it occurs at a poorly conserved position in the protein, it is predicted to be benign by multiple in silico algorithms, and/or has population frequency not consistent with disease.